The following is an entry in ClinVar:

NM_001370259.2(MEN1):c.1791C>A (p.Asp597Glu)

Gene: MEN1 (menin 1; minus strand). Cytogenetic location: 11q13.1.
Variant type: single nucleotide variant.
Coding change: c.1791C>A on transcript NM_001370259.2 (MANE Select); coding-DNA position 1791, C replaced by A.
Protein change: p.Asp597Glu; replaces aspartic acid 597 with glutamic acid.
Molecular consequence: missense variant. On other transcripts: non-coding transcript variant (4).
Genome position (GRCh38, 1-based): chr11:64,804,376, G>T on the plus strand (C>A on the coding strand, the complement: MEN1 is on the minus strand). VCF-style: chr11-64804376-G-T. GRCh37 (hg19) VCF-style: chr11-64571848-G-T.
Other names: c.1806C>A, p.Asp602Glu (NM_000244.4, NM_130800.3, NM_130801.3 and 4 more transcripts); c.1917C>A, p.Asp639Glu (NM_001370251.2, NM_001407142.1, NM_001407143.1 and 1 more transcripts); c.1791C>A, p.Asp597Glu (NM_001370260.2, NM_001370261.2, NM_130799.3 and 2 more transcripts); c.1686C>A, p.Asp562Glu (NM_001370262.2, NM_001370263.2, NM_001407148.1 and 1 more transcripts); c.1932C>A, p.Asp644Glu (NM_001407150.1); c.1812C>A, p.Asp604Glu (NM_001407151.1); c.1626C>A, p.Asp542Glu (NM_001407152.1); short protein forms D604E, D562E, D602E, D639E, D542E, D597E, D644E.
Identifiers: ClinVar variation 4826513 (VCV004826513.1).

ClinVar aggregate classification (germline): Uncertain significance (1 of 4 stars; one submission).

Conditions:
Hereditary cancer-predisposing syndrome. Also called: Neoplastic Syndromes, Hereditary; Tumor predisposition; Hereditary Cancer Syndrome; Hereditary neoplastic syndrome. Identifiers: Orphanet 140162, MedGen C0027672, MeSH D009386, MONDO:0015356.

Submission:

Ambry Genetics
Classification: Uncertain significance for Hereditary cancer-predisposing syndrome. Last evaluated: 2026-02-27. Review status: criteria provided, single submitter. Criteria: Ambry Variant Classification Scheme 2023. Collection method: clinical testing. Allele origin: germline.
Comment: The p.D597E variant (also known as c.1791C>A), located in coding exon 9 of the MEN1 gene, results from a C to A substitution at nucleotide position 1791. The aspartic acid at codon 597 is replaced by glutamic acid, an amino acid with highly similar properties. This amino acid position is conserved. In addition, the in silico prediction for this alteration is inconclusive. Based on the available evidence, the clinical significance of this variant remains unclear.